The following is an entry in ClinVar:

ClinVar aggregate classification (germline): Uncertain significance. Review status: criteria provided, multiple submitters, no conflicts (2 of 4 stars). 2 submissions from 2 submitters: Uncertain significance (2). Last evaluated 2026-01-21.

Conditions:
Inborn genetic diseases. Identifiers: MedGen C0950123, MeSH D030342.

Submissions (2):

Ambry Genetics
Classification: Uncertain significance for Inborn genetic diseases. Last evaluated: 2026-01-21. Review status: criteria provided, single submitter. Criteria: Ambry Variant Classification Scheme 2023. Collection method: clinical testing. Allele origin: germline.
Comment: The c.839_840delGAinsAG (p.R280Q) alteration, located in exon 6 (coding exon 6) of the SLCO2A1 gene, consists of an in-frame deletion of GA and insertion of AG at nucleotide positions 839 to 840. This results in the substitution of the arginine (R) residue for a glutamine (Q) residue at codon 280. This variant was not reported in population-based cohorts in the Genome Aggregation Database (gnomAD). This amino acid position is well conserved in available vertebrate species. This nucleotide position is not well conserved in available vertebrate species. This amino acid alteration is predicted to be tolerated by in silico analysis. In silico splice site analysis predicts that this nucleotide alteration will result in the creation or strengthening of a novel splice acceptor site. Based on insufficient or conflicting evidence, the clinical significance of this alteration remains unclear.

Labcorp Genetics (formerly Invitae), Labcorp
Classification: Uncertain significance. Last evaluated: 2025-12-20. Review status: criteria provided, single submitter. Criteria: Invitae Variant Classification Sherloc (09022015). Collection method: clinical testing. Allele origin: germline.
Comment: This sequence change replaces arginine, which is basic and polar, with glutamine, which is neutral and polar, at codon 280 of the SLCO2A1 protein (p.Arg280Gln). Information on the frequency of this variant in the gnomAD database is not available, as this variant may be reported differently in the database. This variant has not been reported in the literature in individuals affected with SLCO2A1-related conditions. An algorithm developed to predict the effect of missense changes on protein structure and function (PolyPhen-2) suggests that this variant is likely to be tolerated. In summary, the available evidence is currently insufficient to determine the role of this variant in disease. Therefore, it has been classified as a Variant of Uncertain Significance.

NM_005630.3(SLCO2A1):c.839_840delinsAG (p.Arg280Gln)

Gene: SLCO2A1 (solute carrier organic anion transporter family member 2A1; minus strand). Cytogenetic location: 3q22.1.
Variant type: Indel.
Coding change: c.839_840delinsAG on transcript NM_005630.3 (MANE Select); coding-DNA positions 839 to 840, GA replaced by AG.
Protein change: p.Arg280Gln; replaces arginine 280 with glutamine.
Molecular consequence: missense variant.
Genome position (GRCh38, 1-based): chr3:133,951,229-133,951,230, TC replaced by CT on the plus strand (GA replaced by AG on the coding strand, the reverse complement: SLCO2A1 is on the minus strand). VCF-style: chr3-133951229-TC-CT. GRCh37 (hg19) VCF-style: chr3-133670073-TC-CT.
Other names: c.839_840delGAinsAG (NM_005630.2); short protein forms R280Q.
Identifiers: ClinVar variation 4697960 (VCV004697960.2).
Genomic context (GRCh38, chr3:133,951,229, plus strand): 5'-AACTCCATCAGGTAGAGTCATGGGCTCTTGGAACCTTACCTTTGCTCCTATGGGCATTGC[TC>CT]GAGGGAAGAAAAAAAAGGGGAAAGAGGTGAGAACCAATAAAGCTGAAGAAATGAGCAGGC-3'
Protein context (NP_005621.2, residues 270-290): LTSFPFFFFP[Arg280Gln]AMPIGAKRAP